The following is an entry in ClinVar:

NM_014363.6(SACS):c.1121_1122del (p.His374fs)

Gene: SACS (sacsin molecular chaperone; minus strand). Cytogenetic location: 13q12.12.
Variant type: Deletion.
Coding change: c.1121_1122del on transcript NM_014363.6 (MANE Select); coding-DNA positions 1121 to 1122, 2 bases deleted (AC; older notation c.1121_1122delAC).
Protein change: p.His374fs; shifts the reading frame from histidine 374.
Molecular consequence: frameshift variant.
Genome position (GRCh38, 1-based): chr13:23,355,490-23,355,491, GT deleted on the plus strand (AC on the coding strand, the reverse complement: SACS is on the minus strand); deleting any 2 consecutive bases within chr13:23,355,490-23,355,492 gives the same sequence; the c. name uses the placement nearest the transcript's 3' end. VCF-style (leftmost placement, unchanged base first): chr13-23355489-CGT-C. GRCh37 (hg19) VCF-style: chr13-23929628-CGT-C.
Other names: c.680_681del, p.His227fs (NM_001278055.2); short protein forms H227fs, H374fs.
Identifiers: ClinVar variation 2835675 (VCV002835675.3), dbSNP rs2542399697, ClinGen allele CA2739277475.

ClinVar aggregate classification (germline): Pathogenic (1 of 4 stars; one submission).

Conditions:
Spastic paraplegia. Identifiers: MedGen C0037772, HP:0001258.

Submission:

Labcorp Genetics (formerly Invitae), Labcorp
Classification: Pathogenic for Spastic paraplegia. Last evaluated: 2023-02-09. Review status: criteria provided, single submitter. Criteria: Invitae Variant Classification Sherloc (09022015). Collection method: clinical testing. Allele origin: germline.
Comment: For these reasons, this variant has been classified as Pathogenic. This variant has not been reported in the literature in individuals affected with SACS-related conditions. This variant is not present in population databases (gnomAD no frequency). This sequence change creates a premature translational stop signal (p.His374Argfs*11) in the SACS gene. It is expected to result in an absent or disrupted protein product. Loss-of-function variants in SACS are known to be pathogenic (PMID: 18465152, 20876471).

Literature cited by the submitters: PubMed 18465152; PubMed 20876471.